The following is an entry in ClinVar:

ClinVar aggregate classification (germline): Uncertain significance (1 of 4 stars; one submission).

Submission:

Labcorp Genetics (formerly Invitae), Labcorp
Classification: Uncertain significance. Last evaluated: 2022-09-01. Review status: criteria provided, single submitter. Criteria: Invitae Variant Classification Sherloc (09022015). Collection method: clinical testing. Allele origin: germline.
Comment: This variant is not present in population databases (gnomAD no frequency). In summary, the available evidence is currently insufficient to determine the role of this variant in disease. Therefore, it has been classified as a Variant of Uncertain Significance. Variants that disrupt the consensus splice site are a relatively common cause of aberrant splicing (PMID: 17576681, 9536098). Algorithms developed to predict the effect of sequence changes on RNA splicing suggest that this variant may disrupt the consensus splice site. ClinVar contains an entry for this variant (Variation ID: 1396072). This variant has not been reported in the literature in individuals affected with CDH23-related conditions. This sequence change falls in intron 42 of the CDH23 gene. It does not directly change the encoded amino acid sequence of the CDH23 protein. It affects a nucleotide within the consensus splice site.

Literature cited by the submitters: PubMed 17576681; PubMed 9536098.

NM_022124.6(CDH23):c.5502+6T>A

Gene: CDH23 (cadherin related 23; plus strand). Cytogenetic location: 10q22.1.
Variant type: single nucleotide variant.
Coding change: c.5502+6T>A on transcript NM_022124.6 (MANE Select); 6 bases into the intron after coding-DNA position 5502, T replaced by A.
Molecular consequence: intron variant.
Genome position (GRCh38, 1-based): chr10:71,784,426, T>A. VCF-style: chr10-71784426-T-A. GRCh37 (hg19) VCF-style: chr10-73544183-T-A.
Identifiers: ClinVar variation 1396072 (VCV001396072.6), dbSNP rs2132938326, ClinGen allele CA2573145372.